The following is an entry in ClinVar:

ClinVar aggregate classification (germline): Uncertain significance (1 of 4 stars; one submission).

Conditions:
Severe combined immunodeficiency due to DNA-PKcs deficiency. Also called: IMMUNODEFICIENCY 26 WITH NEUROLOGIC ABNORMALITIES; Immunodeficiency 26 with or without neurologic abnormalities. Identifiers: Orphanet 317425, MedGen C4014833, MONDO:0014423, OMIM 615966.

Allele frequency attached by ClinVar (database versions not stated): ExAC 0.00003; 1000 Genomes Project 0.00020; 1000 Genomes Project 30x 0.00031.
gnomAD v4.1: 44 of 1,613,746 alleles (0.0027%); highest among the groups gnomAD compares: African/African-American, 0.052%; 1 homozygote.

Submission:

Labcorp Genetics (formerly Invitae), Labcorp
Classification: Uncertain significance for Severe combined immunodeficiency due to DNA-PKcs deficiency. Last evaluated: 2022-02-02. Review status: criteria provided, single submitter. Criteria: Invitae Variant Classification Sherloc (09022015). Collection method: clinical testing. Allele origin: germline.
Comment: This sequence change replaces serine, which is neutral and polar, with threonine, which is neutral and polar, at codon 1561 of the PRKDC protein (p.Ser1561Thr). This variant is present in population databases (rs535333684, gnomAD 0.06%). This variant has not been reported in the literature in individuals affected with PRKDC-related conditions. ClinVar contains an entry for this variant (Variation ID: 1062005). Experimental studies and prediction algorithms are not available or were not evaluated, and the functional significance of this variant is currently unknown. In summary, the available evidence is currently insufficient to determine the role of this variant in disease. Therefore, it has been classified as a Variant of Uncertain Significance.

NM_006904.7(PRKDC):c.4682G>C (p.Ser1561Thr)

Gene: PRKDC (protein kinase, DNA-activated, catalytic subunit; minus strand). Cytogenetic location: 8q11.21.
Variant type: single nucleotide variant.
Coding change: c.4682G>C on transcript NM_006904.7 (MANE Select); coding-DNA position 4682, G replaced by C.
Protein change: p.Ser1561Thr; replaces serine 1561 with threonine.
Molecular consequence: missense variant.
Genome position (GRCh38, 1-based): chr8:47,886,038, C>G on the plus strand (G>C on the coding strand, the complement: PRKDC is on the minus strand). VCF-style: chr8-47886038-C-G. GRCh37 (hg19) VCF-style: chr8-48798599-C-G.
Other names: c.4682G>C, p.Ser1561Thr (NM_001081640.2); short protein forms S1561T.
Identifiers: ClinVar variation 1062005 (VCV001062005.6), dbSNP rs535333684, ClinGen allele CA4740831.